The following is an entry in ClinVar:

NM_001366722.1(GRIP1):c.2881C>T (p.Arg961Trp)

Gene: GRIP1 (glutamate receptor interacting protein 1; minus strand). Cytogenetic location: 12q14.3.
Variant type: single nucleotide variant.
Coding change: c.2881C>T on transcript NM_001366722.1 (MANE Select); coding-DNA position 2881, C replaced by T.
Protein change: p.Arg961Trp; replaces arginine 961 with tryptophan.
Molecular consequence: missense variant.
Genome position (GRCh38, 1-based): chr12:66,371,825, G>A on the plus strand (C>T on the coding strand, the complement: GRIP1 is on the minus strand). VCF-style: chr12-66371825-G-A. GRCh37 (hg19) VCF-style: chr12-66765605-G-A.
Other names: c.2680C>T, p.Arg894Trp (NM_001178074.2, NM_001379351.1); c.2800C>T, p.Arg934Trp (NM_001366723.1); c.2803C>T, p.Arg935Trp (NM_001366724.1); c.2959C>T, p.Arg987Trp (NM_001379345.1); c.2836C>T, p.Arg946Trp (NM_001379346.1); c.2758C>T, p.Arg920Trp (NM_001379347.1); c.2755C>T, p.Arg919Trp (NM_001379348.1); c.2728C>T, p.Arg910Trp (NM_001379349.1); and 1 more; short protein forms R919W, R920W, R909W, R946W, R961W, R910W, R934W, R935W.
Identifiers: ClinVar variation 1977778 (VCV001977778.4), dbSNP rs761580569, ClinGen allele CA6673995.

ClinVar aggregate classification (germline): Uncertain significance (1 of 4 stars; one submission).

Allele frequency attached by ClinVar (database versions not stated): gnomAD exomes 0.00001; ExAC 0.00002; gnomAD 0.00003; TOPMed 0.00003.
gnomAD v4.1: 24 of 1,613,580 alleles (0.0015%); highest among the groups gnomAD compares: South Asian, 0.0033%; no homozygotes.

Submission:

Labcorp Genetics (formerly Invitae), Labcorp
Classification: Uncertain significance. Last evaluated: 2024-02-17. Review status: criteria provided, single submitter. Criteria: Invitae Variant Classification Sherloc (09022015). Collection method: clinical testing. Allele origin: germline.
Comment: This sequence change replaces arginine, which is basic and polar, with tryptophan, which is neutral and slightly polar, at codon 909 of the GRIP1 protein (p.Arg909Trp). This variant is present in population databases (rs761580569, gnomAD 0.005%). This variant has not been reported in the literature in individuals affected with GRIP1-related conditions. ClinVar contains an entry for this variant (Variation ID: 1977778). Advanced modeling of protein sequence and biophysical properties (such as structural, functional, and spatial information, amino acid conservation, physicochemical variation, residue mobility, and thermodynamic stability) performed at Invitae indicates that this missense variant is not expected to disrupt GRIP1 protein function with a negative predictive value of 80%. In summary, the available evidence is currently insufficient to determine the role of this variant in disease. Therefore, it has been classified as a Variant of Uncertain Significance.